The following is an entry in ClinVar:

ClinVar aggregate classification (germline): Uncertain significance. Review status: criteria provided, multiple submitters, no conflicts (2 of 4 stars). 3 submissions from 3 submitters: Uncertain significance (2). 1 of the submissions does not count toward it. Last evaluated 2024-09-12.

Conditions:
Inborn genetic diseases. Identifiers: MedGen C0950123, MeSH D030342.
DLL1-related disorder. Also called: DLL1-related condition.

Allele frequency attached by ClinVar (database versions not stated): ExAC 0.00003; TOPMed 0.00003; gnomAD 0.00004.
gnomAD v4.1: 59 of 1,612,536 alleles (0.0037%); highest among the groups gnomAD compares: Non-Finnish European, 0.0047%; no homozygotes.

Submissions (3):

Labcorp Genetics (formerly Invitae), Labcorp
Classification: Uncertain significance. Last evaluated: 2024-09-12. Review status: criteria provided, single submitter. Criteria: Invitae Variant Classification Sherloc (09022015). Collection method: clinical testing. Allele origin: germline.
Comment: This sequence change replaces alanine, which is neutral and non-polar, with threonine, which is neutral and polar, at codon 564 of the DLL1 protein (p.Ala564Thr). This variant is present in population databases (rs776641473, gnomAD 0.006%). This variant has not been reported in the literature in individuals affected with DLL1-related conditions. ClinVar contains an entry for this variant (Variation ID: 2336042). An algorithm developed to predict the effect of missense changes on protein structure and function (PolyPhen-2) suggests that this variant is likely to be tolerated. In summary, the available evidence is currently insufficient to determine the role of this variant in disease. Therefore, it has been classified as a Variant of Uncertain Significance.

Ambry Genetics
Classification: Uncertain significance for Inborn genetic diseases. Last evaluated: 2022-12-16. Review status: criteria provided, single submitter. Criteria: Ambry Variant Classification Scheme 2023. Collection method: clinical testing. Allele origin: germline.

PreventionGenetics, part of Exact Sciences
Classification: Likely benign for DLL1-related condition. Last evaluated: 2024-09-17. Review status: no assertion criteria provided. Collection method: clinical testing. Allele origin: germline. Not counted in ClinVar's aggregate classification.
Comment: This variant is classified as likely benign based on ACMG/AMP sequence variant interpretation guidelines (Richards et al. 2015 PMID: 25741868, with internal and published modifications).

NM_005618.4(DLL1):c.1690G>A (p.Ala564Thr)

Gene: DLL1 (delta like canonical Notch ligand 1; minus strand). Cytogenetic location: 6q27.
Variant type: single nucleotide variant.
Coding change: c.1690G>A on transcript NM_005618.4 (MANE Select); coding-DNA position 1690, G replaced by A.
Protein change: p.Ala564Thr; replaces alanine 564 with threonine.
Molecular consequence: missense variant.
Genome position (GRCh38, 1-based): chr6:170,283,589, C>T on the plus strand (G>A on the coding strand, the complement: DLL1 is on the minus strand). VCF-style: chr6-170283589-C-T. GRCh37 (hg19) VCF-style: chr6-170592677-C-T.
Other names: short protein forms A564T.
Identifiers: ClinVar variation 2336042 (VCV002336042.5), dbSNP rs776641473, ClinGen allele CA4106760.